The following is an entry in ClinVar:

NC_000023.11:g.(?_71118745)_(71142228_?)dup

Gene: MED12 (mediator complex subunit 12; plus strand). Cytogenetic location: Xq13.1.
Variant type: Duplication.
Identifiers: ClinVar variation 831551 (VCV000831551.1).

ClinVar aggregate classification (germline): Uncertain significance (1 of 4 stars; one submission).

Conditions:
FG syndrome 1 (OKS). Also called: KELLER SYNDROME; MENTAL RETARDATION, LARGE HEAD, IMPERFORATE ANUS, CONGENITAL HYPOTONIA, AND PARTIAL AGENESIS OF CORPUS CALLOSUM; OPITZ-KAVEGGIA SYNDROME; FG Syndrome Type 1 (FGS1). Identifiers: Orphanet 93932, MedGen C5399762, MONDO:0010590, OMIM 305450.

Submission:

Labcorp Genetics (formerly Invitae), Labcorp
Classification: Uncertain significance for FG syndrome 1. Last evaluated: 2019-08-25. Review status: criteria provided, single submitter. Criteria: Invitae Variant Classification Sherloc (09022015). Collection method: clinical testing. Allele origin: germline.
Comment: This variant results in a copy number gain of the genomic region encompassing the full coding sequence of the MED12 gene. The boundaries of this event are unknown as they extend beyond the assayed region for this gene and therefore may encompass additional genes. As the precise location of this event is unknown, it may be in tandem or it may be located elsewhere in the genome. This variant has not been reported in the literature in individuals with MED12-related conditions. In summary, the available evidence is currently insufficient to determine the role of this variant in disease. Therefore, it has been classified as a Variant of Uncertain Significance.